The following is an entry in ClinVar:

NM_015340.4(LARS2):c.1292G>A (p.Arg431Gln)

Genes: LARS2 (leucyl-tRNA synthetase 2, mitochondrial; plus strand), LARS2-AS1 (LARS2 antisense RNA 1; minus strand). Cytogenetic location: 3p21.31.
Variant type: single nucleotide variant.
Coding change: c.1292G>A on transcript NM_015340.4 (MANE Select); coding-DNA position 1292, G replaced by A.
Protein change: p.Arg431Gln; replaces arginine 431 with glutamine.
Molecular consequence: missense variant.
Genome position (GRCh38, 1-based): chr3:45,491,569, G>A. VCF-style: chr3-45491569-G-A. GRCh37 (hg19) VCF-style: chr3-45533061-G-A.
Other names: c.1292G>A, p.Arg431Gln (NM_001368263.1); short protein forms R431Q.
Identifiers: ClinVar variation 3769790 (VCV003769790.3).

ClinVar aggregate classification (germline): Uncertain significance. Review status: criteria provided, multiple submitters, no conflicts (2 of 4 stars). 3 submissions from 3 submitters: Uncertain significance (3). Last evaluated 2025-10-15.

Conditions:
Inborn genetic diseases. Identifiers: MedGen C0950123, MeSH D030342.

gnomAD v4.1: 16 of 1,614,060 alleles (0.00099%); highest among the groups gnomAD compares: African/African-American, 0.0067%; no homozygotes.

Submissions (3):

Ambry Genetics
Classification: Uncertain significance for Inborn genetic diseases. Last evaluated: 2025-10-15. Review status: criteria provided, single submitter. Criteria: Ambry Variant Classification Scheme 2023. Collection method: clinical testing. Allele origin: germline.

Blueprint Genetics
Classification: Uncertain significance. Last evaluated: 2024-11-08. Review status: criteria provided, single submitter. Criteria: ACMG Guidelines, 2015. Collection method: clinical testing. Allele origin: germline.

GeneDx
Classification: Uncertain significance. Last evaluated: 2024-09-13. Review status: criteria provided, single submitter. Criteria: GeneDx Variant Classification Process June 2021. Collection method: clinical testing. Allele origin: germline. Affected: yes.
Comment: Not observed at significant frequency in large population cohorts (gnomAD); In silico analysis indicates that this missense variant does not alter protein structure/function; Has not been previously published as pathogenic or benign to our knowledge